The following is an entry in ClinVar:

NM_015340.4(LARS2):c.1841G>A (p.Arg614Lys)

Gene: LARS2 (leucyl-tRNA synthetase 2, mitochondrial; plus strand). Cytogenetic location: 3p21.31.
Variant type: single nucleotide variant.
Coding change: c.1841G>A on transcript NM_015340.4 (MANE Select); coding-DNA position 1841, G replaced by A.
Protein change: p.Arg614Lys; replaces arginine 614 with lysine.
Molecular consequence: missense variant.
Genome position (GRCh38, 1-based): chr3:45,513,215, G>A. VCF-style: chr3-45513215-G-A. GRCh37 (hg19) VCF-style: chr3-45554707-G-A.
Other names: c.1841G>A, p.Arg614Lys (NM_001368263.1); short protein forms R614K.
Identifiers: ClinVar variation 4775032 (VCV004775032.1).
Genomic context (GRCh38, chr3:45,513,215, plus strand): 5'-TGGCCCAAGGCCTTATCAAGGGGCAGACATTCCGCCTACCATCTGGACAGTATCTACAGA[G>A]AGAGGAAGTGGATCTCACAGGTAAGAATGGCCCATCTGGTCCCATCCAGGTACTCCCAGA-3'
Protein context (NP_056155.1, residues 604-624): FRLPSGQYLQ[Arg614Lys]EEVDLTGSVP

ClinVar aggregate classification (germline): Uncertain significance (1 of 4 stars; one submission).

gnomAD v4.1: 17 of 1,611,234 alleles (0.0011%); highest among the groups gnomAD compares: East Asian, 0.036%; no homozygotes.

Submission:

Labcorp Genetics (formerly Invitae), Labcorp
Classification: Uncertain significance. Last evaluated: 2025-09-23. Review status: criteria provided, single submitter. Criteria: Invitae Variant Classification Sherloc (09022015). Collection method: clinical testing. Allele origin: germline.
Comment: This sequence change replaces arginine, which is basic and polar, with lysine, which is basic and polar, at codon 614 of the LARS2 protein (p.Arg614Lys). This variant is present in population databases (rs758823074, gnomAD 0.03%). This variant has not been reported in the literature in individuals affected with LARS2-related conditions. An algorithm developed to predict the effect of missense changes on protein structure and function outputs the following: PolyPhen-2: "Benign". The lysine amino acid residue is found in multiple mammalian species, which suggests that this missense change does not adversely affect protein function. In summary, the available evidence is currently insufficient to determine the role of this variant in disease. Therefore, it has been classified as a Variant of Uncertain Significance.